The following is an entry in ClinVar:

ClinVar aggregate classification (germline): Uncertain significance. Review status: criteria provided, multiple submitters, no conflicts (2 of 4 stars). 2 submissions from 2 submitters: Uncertain significance (2). Last evaluated 2025-01-06.

Conditions:
Inborn genetic diseases. Identifiers: MedGen C0950123, MeSH D030342.

Allele frequency attached by ClinVar (database versions not stated): ExAC 0.00003; gnomAD 0.00007 and 0.00008; TOPMed 0.00014.

Submissions (2):

Labcorp Genetics (formerly Invitae), Labcorp
Classification: Uncertain significance. Last evaluated: 2025-01-06. Review status: criteria provided, single submitter. Criteria: Invitae Variant Classification Sherloc (09022015). Collection method: clinical testing. Allele origin: germline.
Comment: This sequence change replaces arginine, which is basic and polar, with glutamine, which is neutral and polar, at codon 340 of the GTPBP3 protein (p.Arg340Gln). This variant is present in population databases (rs546900625, gnomAD 0.03%). This variant has not been reported in the literature in individuals affected with GTPBP3-related conditions. ClinVar contains an entry for this variant (Variation ID: 1478901). Invitae Evidence Modeling of protein sequence and biophysical properties (such as structural, functional, and spatial information, amino acid conservation, physicochemical variation, residue mobility, and thermodynamic stability) has been performed for this missense variant. However, the output from this modeling did not meet the statistical confidence thresholds required to predict the impact of this variant on GTPBP3 protein function. In summary, the available evidence is currently insufficient to determine the role of this variant in disease. Therefore, it has been classified as a Variant of Uncertain Significance.

Ambry Genetics
Classification: Uncertain significance for Inborn genetic diseases. Last evaluated: 2021-10-26. Review status: criteria provided, single submitter. Criteria: Ambry Variant Classification Scheme 2023. Collection method: clinical testing. Allele origin: germline.

NM_032620.4(GTPBP3):c.923G>A (p.Arg308Gln)

Gene: GTPBP3 (GTP binding protein 3, mitochondrial; plus strand). Cytogenetic location: 19p13.11.
Variant type: single nucleotide variant.
Coding change: c.923G>A on transcript NM_032620.4 (MANE Select); coding-DNA position 923, G replaced by A.
Protein change: p.Arg308Gln; replaces arginine 308 with glutamine.
Molecular consequence: missense variant.
Genome position (GRCh38, 1-based): chr19:17,339,548, G>A. VCF-style: chr19-17339548-G-A. GRCh37 (hg19) VCF-style: chr19-17450357-G-A.
Other names: c.923G>A, p.Arg308Gln (NM_001128855.3); c.989G>A, p.Arg330Gln (NM_001195422.1); c.1019G>A, p.Arg340Gln (NM_133644.4); c.1019G>A (NM_133644.3); short protein forms R330Q, R340Q, R308Q.
Identifiers: ClinVar variation 1478901 (VCV001478901.7), dbSNP rs546900625, ClinGen allele CA9293571.